The following is an entry in ClinVar:

ClinVar aggregate classification (germline): Uncertain significance (1 of 4 stars; one submission).

Conditions:
Townes syndrome (TBS). Also called: Townes-Brocks syndrome. Identifiers: Orphanet 857, MedGen C0265246, MeSH C536974, MONDO:0007142.

gnomAD v4.1: 2 of 1,614,190 alleles (0.00012%); highest among the groups gnomAD compares: Non-Finnish European, 0.00017%; no homozygotes.

Submission:

Labcorp Genetics (formerly Invitae), Labcorp
Classification: Uncertain significance for Townes syndrome. Last evaluated: 2025-06-15. Review status: criteria provided, single submitter. Criteria: Invitae Variant Classification Sherloc (09022015). Collection method: clinical testing. Allele origin: germline.
Comment: This sequence change replaces glutamic acid, which is acidic and polar, with lysine, which is basic and polar, at codon 687 of the SALL1 protein (p.Glu687Lys). This variant is not present in population databases (gnomAD no frequency). This variant has not been reported in the literature in individuals affected with SALL1-related conditions. Invitae Evidence Modeling of protein sequence and biophysical properties (such as structural, functional, and spatial information, amino acid conservation, physicochemical variation, residue mobility, and thermodynamic stability) indicates that this missense variant is expected to disrupt SALL1 protein function with a positive predictive value of 80%. In summary, the available evidence is currently insufficient to determine the role of this variant in disease. Therefore, it has been classified as a Variant of Uncertain Significance.

NM_002968.3(SALL1):c.2059G>A (p.Glu687Lys)

Gene: SALL1 (spalt like transcription factor 1; minus strand). Cytogenetic location: 16q12.1.
Variant type: single nucleotide variant.
Coding change: c.2059G>A on transcript NM_002968.3 (MANE Select); coding-DNA position 2059, G replaced by A.
Protein change: p.Glu687Lys; replaces glutamic acid 687 with lysine.
Molecular consequence: missense variant.
Genome position (GRCh38, 1-based): chr16:51,140,163, C>T on the plus strand (G>A on the coding strand, the complement: SALL1 is on the minus strand). VCF-style: chr16-51140163-C-T. GRCh37 (hg19) VCF-style: chr16-51174074-C-T.
Other names: c.1768G>A, p.Glu590Lys (NM_001127892.2); short protein forms E687K, E590K.
Identifiers: ClinVar variation 4775295 (VCV004775295.1).